The following is an entry in ClinVar:

ClinVar aggregate classification (germline): Uncertain significance (1 of 4 stars; one submission).

Allele frequency attached by ClinVar (database versions not stated): gnomAD exomes 0.00004 and 0.00010; ExAC 0.00012; 1000 Genomes Project 30x 0.00094; 1000 Genomes Project 0.00100.
gnomAD v4.1: 74 of 1,613,920 alleles (0.0046%); highest among the groups gnomAD compares: South Asian, 0.075%; 1 homozygote.

Submission:

Labcorp Genetics (formerly Invitae), Labcorp
Classification: Uncertain significance. Last evaluated: 2024-06-17. Review status: criteria provided, single submitter. Criteria: Invitae Variant Classification Sherloc (09022015). Collection method: clinical testing. Allele origin: germline.
Comment: This sequence change replaces serine, which is neutral and polar, with cysteine, which is neutral and slightly polar, at codon 363 of the ACOX2 protein (p.Ser363Cys). This variant is present in population databases (rs550491341, gnomAD 0.08%), and has an allele count higher than expected for a pathogenic variant. This variant has not been reported in the literature in individuals affected with ACOX2-related conditions. ClinVar contains an entry for this variant (Variation ID: 1377600). Advanced modeling of protein sequence and biophysical properties (such as structural, functional, and spatial information, amino acid conservation, physicochemical variation, residue mobility, and thermodynamic stability) performed at Invitae indicates that this missense variant is not expected to disrupt ACOX2 protein function with a negative predictive value of 80%. In summary, the available evidence is currently insufficient to determine the role of this variant in disease. Therefore, it has been classified as a Variant of Uncertain Significance.

NM_003500.4(ACOX2):c.1087A>T (p.Ser363Cys)

Gene: ACOX2 (acyl-CoA oxidase 2; minus strand). Cytogenetic location: 3p14.3.
Variant type: single nucleotide variant.
Coding change: c.1087A>T on transcript NM_003500.4 (MANE Select); coding-DNA position 1087, A replaced by T.
Protein change: p.Ser363Cys; replaces serine 363 with cysteine.
Molecular consequence: missense variant.
Genome position (GRCh38, 1-based): chr3:58,528,862, T>A on the plus strand (A>T on the coding strand, the complement: ACOX2 is on the minus strand). VCF-style: chr3-58528862-T-A. GRCh37 (hg19) VCF-style: chr3-58514589-T-A.
Other names: short protein forms S363C.
Identifiers: ClinVar variation 1377600 (VCV001377600.8), dbSNP rs550491341, ClinGen allele CA2472186.